The following is an entry in ClinVar:

NM_182643.3(DLC1):c.2704A>G (p.Ile902Val)

Gene: DLC1 (DLC1 Rho GTPase activating protein; minus strand). Cytogenetic location: 8p22.
Variant type: single nucleotide variant.
Coding change: c.2704A>G on transcript NM_182643.3 (MANE Select); coding-DNA position 2704, A replaced by G.
Protein change: p.Ile902Val; replaces isoleucine 902 with valine.
Molecular consequence: missense variant.
Genome position (GRCh38, 1-based): chr8:13,099,633, T>C on the plus strand (A>G on the coding strand, the complement: DLC1 is on the minus strand). VCF-style: chr8-13099633-T-C. GRCh37 (hg19) VCF-style: chr8-12957142-T-C.
Other names: c.1171A>G, p.Ile391Val (NM_001164271.2, NM_001348082.2, NM_001348083.1 and 6 more transcripts); c.1495A>G, p.Ile499Val (NM_001316668.2, NM_001413129.1); c.2704A>G, p.Ile902Val (NM_001348081.2, NM_001413124.1); c.1486A>G, p.Ile496Val (NM_001413130.1); c.1144A>G, p.Ile382Val (NM_001413131.1, NM_001413137.1); c.1630A>G, p.Ile544Val (NM_001413132.1); c.1393A>G, p.Ile465Val (NM_001413135.1, NM_001413136.1, NM_001413139.1 and 1 more transcripts); c.1528A>G, p.Ile510Val (NM_001413140.1); short protein forms I465V, I382V, I499V, I496V, I544V, I391V, I510V, I902V.
Identifiers: ClinVar variation 2081138 (VCV002081138.6), dbSNP rs759492017, ClinGen allele CA4638557.

ClinVar aggregate classification (germline): Uncertain significance. Review status: criteria provided, multiple submitters, no conflicts (2 of 4 stars). 2 submissions from 2 submitters: Uncertain significance (2). Last evaluated 2024-04-23.

Allele frequency attached by ClinVar (database versions not stated): ExAC 0.00001; gnomAD exomes 0.00002; gnomAD 0.00003; TOPMed 0.00004.
gnomAD v4.1: 33 of 1,614,066 alleles (0.002%); highest among the groups gnomAD compares: Non-Finnish European, 0.0025%; no homozygotes.

Submissions (2):

Ambry Genetics
Classification: Uncertain significance. Last evaluated: 2024-04-23. Review status: criteria provided, single submitter. Criteria: Ambry Variant Classification Scheme 2023. Collection method: clinical testing. Allele origin: germline.

Labcorp Genetics (formerly Invitae), Labcorp
Classification: Uncertain significance. Last evaluated: 2022-07-19. Review status: criteria provided, single submitter. Criteria: Invitae Variant Classification Sherloc (09022015). Collection method: clinical testing. Allele origin: germline.
Comment: In summary, the available evidence is currently insufficient to determine the role of this variant in disease. Therefore, it has been classified as a Variant of Uncertain Significance. Algorithms developed to predict the effect of missense changes on protein structure and function output the following: SIFT: "Tolerated"; PolyPhen-2: "Benign"; Align-GVGD: "Class C0". The valine amino acid residue is found in multiple mammalian species, which suggests that this missense change does not adversely affect protein function. This variant has not been reported in the literature in individuals affected with DLC1-related conditions. This variant is present in population databases (rs759492017, gnomAD 0.004%). This sequence change replaces isoleucine, which is neutral and non-polar, with valine, which is neutral and non-polar, at codon 902 of the DLC1 protein (p.Ile902Val).